The following is an entry in ClinVar:

ClinVar aggregate classification (germline): Uncertain significance. Review status: criteria provided, multiple submitters, no conflicts (2 of 4 stars). 2 submissions from 2 submitters: Uncertain significance (2). Last evaluated 2025-02-07.

Conditions:
Inborn genetic diseases. Identifiers: MedGen C0950123, MeSH D030342.

Allele frequency attached by ClinVar (database versions not stated): ExAC 0.00001; gnomAD exomes 0.00001; TOPMed 0.00001; gnomAD 0.00002.
gnomAD v4.1: 20 of 1,613,966 alleles (0.0012%); highest among the groups gnomAD compares: South Asian, 0.0033%; no homozygotes.

Submissions (2):

Ambry Genetics
Classification: Uncertain significance for Inborn genetic diseases. Last evaluated: 2025-02-07. Review status: criteria provided, single submitter. Criteria: Ambry Variant Classification Scheme 2023. Collection method: clinical testing. Allele origin: germline.

Labcorp Genetics (formerly Invitae), Labcorp
Classification: Uncertain significance. Last evaluated: 2023-07-07. Review status: criteria provided, single submitter. Criteria: Invitae Variant Classification Sherloc (09022015). Collection method: clinical testing. Allele origin: germline.
Comment: In summary, the available evidence is currently insufficient to determine the role of this variant in disease. Therefore, it has been classified as a Variant of Uncertain Significance. Advanced modeling of protein sequence and biophysical properties (such as structural, functional, and spatial information, amino acid conservation, physicochemical variation, residue mobility, and thermodynamic stability) performed at Invitae indicates that this missense variant is not expected to disrupt ORC1 protein function. ClinVar contains an entry for this variant (Variation ID: 1464221). This variant has not been reported in the literature in individuals affected with ORC1-related conditions. This variant is present in population databases (rs753059342, gnomAD 0.003%). This sequence change replaces methionine, which is neutral and non-polar, with valine, which is neutral and non-polar, at codon 752 of the ORC1 protein (p.Met752Val).

NM_004153.4(ORC1):c.2254A>G (p.Met752Val)

Gene: ORC1 (origin recognition complex subunit 1; minus strand). Cytogenetic location: 1p32.3.
Variant type: single nucleotide variant.
Coding change: c.2254A>G on transcript NM_004153.4 (MANE Select); coding-DNA position 2254, A replaced by G.
Protein change: p.Met752Val; replaces methionine 752 with valine.
Molecular consequence: missense variant.
Genome position (GRCh38, 1-based): chr1:52,375,479, T>C on the plus strand (A>G on the coding strand, the complement: ORC1 is on the minus strand). VCF-style: chr1-52375479-T-C. GRCh37 (hg19) VCF-style: chr1-52841151-T-C.
Other names: c.2254A>G, p.Met752Val (NM_001190818.2); c.2239A>G, p.Met747Val (NM_001190819.2); c.2254A>G (NM_004153.3); short protein forms M752V, M747V.
Identifiers: ClinVar variation 1464221 (VCV001464221.9), dbSNP rs753059342, ClinGen allele CA853087.